The following is an entry in ClinVar:

ClinVar aggregate classification (germline): Likely pathogenic (1 of 4 stars; one submission).

Conditions:
Nemaline myopathy 2 (NEM2). Also called: Nemaline myopathy 2, autosomal recessive. Identifiers: MedGen C1850569, MONDO:0009725, OMIM 256030.

Submission:

Muscle and Diseases Team, Institut de Génétique et Biologie Moléculaire et Cellulaire
Classification: Likely pathogenic for Nemaline myopathy 2. Last evaluated: 2024-03-01. Review status: criteria provided, single submitter. Criteria: ACMG Guidelines, 2015. Collection method: research. Allele origin: maternal. Affected: yes. Observed: 1 variant allele.
Comment: PVS1_Strong+PM2

Literature cited by the submitters: DOI 10.1186/s13073-024-01353-0; PubMed 30192042; PubMed 25205138.

NM_001164508.2(NEB):c.16909-2A>G

Gene: NEB (nebulin; minus strand). Cytogenetic location: 2q23.3.
Variant type: single nucleotide variant.
Coding change: c.16909-2A>G on transcript NM_001164508.2 (MANE Select); the canonical splice acceptor site of the intron before coding-DNA position 16909, A replaced by G.
Molecular consequence: splice acceptor variant.
Genome position (GRCh38, 1-based): chr2:151,575,801, T>C on the plus strand (A>G on the coding strand, the complement: NEB is on the minus strand). VCF-style: chr2-151575801-T-C. GRCh37 (hg19) VCF-style: chr2-152432315-T-C.
Other names: c.11806-2A>G (NM_004543.5); c.16909-2A>G (NM_001164507.2, NM_001271208.2).
Identifiers: ClinVar variation 3233273 (VCV003233273.2), dbSNP rs2552199261.